The following is an entry in ClinVar:

NM_000553.6(WRN):c.1351-5del

Gene: WRN (WRN RecQ like helicase; plus strand). Cytogenetic location: 8p12.
Variant type: Deletion.
Coding change: c.1351-5del on transcript NM_000553.6 (MANE Select); 5 bases into the intron before coding-DNA position 1351, one base deleted (T; older notation c.1351-5delT).
Molecular consequence: intron variant.
Genome position (GRCh38, 1-based): chr8:31,085,161, T deleted; the last of 8 consecutive T bases (chr8:31,085,154-31,085,161); deleting any one gives the same sequence. VCF-style (leftmost placement, unchanged base first): chr8-31085153-CT-C. GRCh37 (hg19) VCF-style: chr8-30942669-CT-C.
Identifiers: ClinVar variation 4084315 (VCV004084315.8).
Genomic context (GRCh38, chr8:31,085,153, plus strand): 5'-AGCTTTGTTCTGCAGAAAAGAGGATATGAAGTCAATTATATTGGAAATTAATGCTTAATA[CT>C]TTTTTTTAAAGCATTTATCTCCCAATGATAATGAAAACGATACGTCCTATGTAATTGAGA-3'

ClinVar aggregate classification (germline): Likely benign (1 of 4 stars; one submission).

Submission:

CeGaT Center for Human Genetics Tuebingen
Classification: Likely benign. Last evaluated: 2025-08-01. Review status: criteria provided, single submitter. Criteria: CeGaT Center For Human Genetics Tuebingen Variant Classification Criteria Version 2. Collection method: clinical testing. Allele origin: germline. Affected: yes. Observed: 1 variant allele.
Comment: WRN: BP4